The following is an entry in ClinVar:

NM_173551.5(ANKS6):c.585G>A (p.Leu195=)

Gene: ANKS6 (ankyrin repeat and sterile alpha motif domain containing 6; minus strand). Cytogenetic location: 9q22.33.
Variant type: single nucleotide variant.
Coding change: c.585G>A on transcript NM_173551.5 (MANE Select); coding-DNA position 585, G replaced by A.
Protein change: p.Leu195=; no amino-acid change (leucine 195 retained).
Molecular consequence: synonymous variant.
Genome position (GRCh38, 1-based): chr9:98,790,381, C>T on the plus strand (G>A on the coding strand, the complement: ANKS6 is on the minus strand). VCF-style: chr9-98790381-C-T. GRCh37 (hg19) VCF-style: chr9-101552663-C-T.
Other names: p.Leu195=.
Identifiers: ClinVar variation 262853 (VCV000262853.17), dbSNP rs75634918, ClinGen allele CA5153808.

ClinVar aggregate classification (germline): Benign/Likely benign. Review status: criteria provided, multiple submitters, no conflicts (2 of 4 stars). 6 submissions from 6 submitters: Benign (4); Likely benign (2). Last evaluated 2026-01-14.

Conditions:
Nephronophthisis 16 (NPHP16). Identifiers: Orphanet 655, MedGen C3809320, MONDO:0014158, OMIM 615382.

Allele frequency attached by ClinVar (database versions not stated): ExAC 0.00265; ESP Exome Variant Server 0.00903; TOPMed 0.01005; gnomAD exomes 0.00218; 1000 Genomes Project 30x 0.00843; gnomAD 0.00898 and 0.00976; 1000 Genomes Project 0.00859.
gnomAD v4.1: 2,903 of 1,613,720 alleles (0.18%); highest among the groups gnomAD compares: African/African-American, 3.3%; 45 homozygotes.

Submissions (6):

Labcorp Genetics (formerly Invitae), Labcorp
Classification: Benign for Nephronophthisis 16. Last evaluated: 2026-01-14. Review status: criteria provided, single submitter. Criteria: Invitae Variant Classification Sherloc (09022015). Collection method: clinical testing. Allele origin: germline.

Mayo Clinic Laboratories, Mayo Clinic
Classification: Benign. Last evaluated: 2023-04-19. Review status: criteria provided, single submitter. Criteria: ACMG Guidelines, 2015. Collection method: clinical testing. Allele origin: germline. Observed: 2 variant alleles.
Comment: BS1, BS2, BP4, BP7

ARUP Laboratories, Molecular Genetics and Genomics, ARUP Laboratories
Classification: Benign for Nephronophthisis 16. Last evaluated: 2022-03-09. Review status: criteria provided, single submitter. Criteria: ARUP Molecular Germline Variant Investigation Process 2021. Collection method: clinical testing. Allele origin: germline.

GeneDx
Classification: Likely benign. Last evaluated: 2020-12-26. Review status: criteria provided, single submitter. Criteria: GeneDx Variant Classification Process June 2021. Collection method: clinical testing. Allele origin: germline. Affected: yes.

Breakthrough Genomics
Classification: Likely benign. Review status: criteria provided, single submitter. Criteria: ACMG Guidelines, 2015. Collection method: not provided. Allele origin: germline. Inheritance: Autosomal recessive inheritance. Affected: yes.

PreventionGenetics, part of Exact Sciences
Classification: Benign. Review status: criteria provided, single submitter. Criteria: ACMG Guidelines, 2015. Collection method: clinical testing. Allele origin: germline.